The following is an entry in ClinVar:

NM_003482.4(KMT2D):c.14119C>T (p.Pro4707Ser)

Gene: KMT2D (lysine methyltransferase 2D; minus strand). Cytogenetic location: 12q13.12.
Variant type: single nucleotide variant.
Coding change: c.14119C>T on transcript NM_003482.4 (MANE Select); coding-DNA position 14119, C replaced by T.
Protein change: p.Pro4707Ser; replaces proline 4707 with serine.
Molecular consequence: missense variant.
Genome position (GRCh38, 1-based): chr12:49,029,193, G>A on the plus strand (C>T on the coding strand, the complement: KMT2D is on the minus strand). VCF-style: chr12-49029193-G-A. GRCh37 (hg19) VCF-style: chr12-49422976-G-A.
Other names: short protein forms P4707S.
Identifiers: ClinVar variation 4916562 (VCV004916562.2).

ClinVar aggregate classification (germline): Uncertain significance. Review status: criteria provided, multiple submitters, no conflicts (2 of 4 stars). 2 submissions from 2 submitters: Uncertain significance (2). Last evaluated 2025-09-02.

Conditions:
KMT2D-related disorder. Also called: KMT2D-Related Disorders.

Submissions (2):

PreventionGenetics, part of Exact Sciences
Classification: Uncertain significance for KMT2D-related condition. Last evaluated: 2025-09-02. Review status: criteria provided, single submitter. Criteria: ACMG Guidelines, 2015. Collection method: clinical testing. Allele origin: germline.
Comment: The KMT2D c.14119C>T variant is predicted to result in the amino acid substitution p.Pro4707Ser. To our knowledge, this variant has not been reported in the literature or in a large population database (gnomAD), indicating this variant is rare. At this time, the clinical significance of this variant is uncertain due to the absence of conclusive functional and genetic evidence.

Blueprint Genetics
Classification: Uncertain significance. Last evaluated: 2023-08-07. Review status: criteria provided, single submitter. Criteria: ACMG Guidelines, 2015. Collection method: clinical testing. Allele origin: germline.